The following is an entry in ClinVar:

ClinVar aggregate classification (germline): Uncertain significance (1 of 4 stars; one submission).

Conditions:
Alzheimer disease. Also called: Alzheimer's disease; Presenile and senile dementia. Identifiers: Orphanet 1020, MedGen C0002395, MeSH D000544, MONDO:0004975, HP:0002511.

Submission:

Labcorp Genetics (formerly Invitae), Labcorp
Classification: Uncertain significance for Alzheimer disease. Last evaluated: 2022-07-19. Review status: criteria provided, single submitter. Criteria: Invitae Variant Classification Sherloc (09022015). Collection method: clinical testing. Allele origin: germline.
Comment: Variants that disrupt the consensus splice site are a relatively common cause of aberrant splicing (PMID: 17576681, 9536098). Algorithms developed to predict the effect of sequence changes on RNA splicing suggest that this variant is not likely to affect RNA splicing. In summary, the available evidence is currently insufficient to determine the role of this variant in disease. Therefore, it has been classified as a Variant of Uncertain Significance. ClinVar contains an entry for this variant (Variation ID: 1387676). This variant has not been reported in the literature in individuals affected with APP-related conditions. This variant is not present in population databases (gnomAD no frequency). This sequence change falls in intron 6 of the APP gene. It does not directly change the encoded amino acid sequence of the APP protein. It affects a nucleotide within the consensus splice site.

Literature cited by the submitters: PubMed 17576681; PubMed 9536098.

NM_000484.4(APP):c.866-3T>C

Gene: APP (amyloid beta precursor protein; minus strand). Cytogenetic location: 21q21.3.
Variant type: single nucleotide variant.
Coding change: c.866-3T>C on transcript NM_000484.4 (MANE Select); 3 bases into the intron before coding-DNA position 866, T replaced by C.
Molecular consequence: intron variant.
Genome position (GRCh38, 1-based): chr21:26,000,185, A>G on the plus strand (T>C on the coding strand, the complement: APP is on the minus strand). VCF-style: chr21-26000185-A-G. GRCh37 (hg19) VCF-style: chr21-27372500-A-G.
Other names: c.761-17708T>C (NM_001136131.3); c.698-17708T>C (NM_001136129.3); c.698-3T>C (NM_001136130.3); c.866-17708T>C (NM_001204303.2, NM_201414.3); c.866-2769T>C (NM_001385253.1); c.866-3T>C (NM_001204302.2, NM_201413.3, NM_001204301.2); c.851-3T>C (NM_001136016.3).
Identifiers: ClinVar variation 1387676 (VCV001387676.6), dbSNP rs2043232394, ClinGen allele CA2573157341.